The following is an entry in ClinVar:

ClinVar aggregate classification (germline): Pathogenic. Review status: criteria provided, multiple submitters, no conflicts (2 of 4 stars). 17 submissions from 17 submitters: Pathogenic (12). 5 of the submissions do not count toward it. Last evaluated 2025-08-15.

Conditions:
Mitochondrial complex 2 deficiency, nuclear type 4. Also called: MITOCHONDRIAL COMPLEX II DEFICIENCY, NUCLEAR TYPE 4. Identifiers: MedGen C5543176, MONDO:0030974, OMIM 619224.
Carney-Stratakis syndrome. Also called: PARAGANGLIOMA AND GASTROINTESTINAL STROMAL TUMOR. Identifiers: Orphanet 97286, MedGen C1847319, MONDO:0011740, OMIM 606864.
Pheochromocytoma/paraganglioma syndrome 4. Also called: Paragangliomas 4; SDHB-Related Hereditary Paraganglioma-Pheochromocytoma Syndrome (Paragangliomas 4); SDHB-Related Hereditary Paraganglioma-Pheochromocytoma Syndrome; CAROTID BODY TUMORS AND MULTIPLE EXTRAADRENAL PHEOCHROMOCYTOMAS; PARAGANGLIOMA, FAMILIAL MALIGNANT; PARAGANGLIOMAS, HEREDITARY EXTRAADRENAL. Identifiers: Orphanet 29072, MedGen C1861848, MONDO:0007273, OMIM 115310.
Gastrointestinal stromal tumor. Also called: Gastrointestinal stromal tumor, somatic; Gastrointestinal stroma tumor. Identifiers: Orphanet 44890, MedGen C0238198, MeSH D046152, MONDO:0011719, OMIM 606764, HP:0100723.
Pheochromocytoma. Also called: MAX-Related Hereditary Paraganglioma-Pheochromocytoma Syndrome. Identifiers: Orphanet 29072, MedGen C0031511, MONDO:0008233, OMIM 171300, HP:0002666.
Hereditary cancer-predisposing syndrome. Also called: Neoplastic Syndromes, Hereditary; Hereditary neoplastic syndrome; Hereditary Cancer Syndrome; Tumor predisposition. Identifiers: Orphanet 140162, MedGen C0027672, MeSH D009386, MONDO:0015356.
Hereditary pheochromocytoma and paraganglioma. Also called: Hereditary Paraganglioma-Pheochromocytoma Syndromes; Hereditary paragangliomas and pheochromocytomas; Hereditary pheochromocytoma-paraganglioma. Identifiers: Orphanet 29072, MedGen C4274332, MONDO:0017366.

Allele frequency attached by ClinVar (database versions not stated): gnomAD exomes 0.00001 and below 0.00001; ExAC 0.00001.
gnomAD v4.1: 5 of 1,614,064 alleles (0.00031%); highest among the groups gnomAD compares: South Asian, 0.0022%; no homozygotes.

Submissions 1 to 9 of 17:

Labcorp Genetics (formerly Invitae), Labcorp
Classification: Pathogenic for Gastrointestinal stromal tumor; Pheochromocytoma/paraganglioma syndrome 4; Pheochromocytoma. Last evaluated: 2025-08-15. Review status: criteria provided, single submitter. Criteria: Invitae Variant Classification Sherloc (09022015). Collection method: clinical testing. Allele origin: germline.
Comment: This sequence change affects a donor splice site in intron 4 of the SDHB gene. It is expected to disrupt RNA splicing. Variants that disrupt the donor or acceptor splice site typically lead to a loss of protein function (PMID: 16199547), and loss-of-function variants in SDHB are known to be pathogenic (PMID: 19454582, 19802898). This variant is present in population databases (rs398122805, gnomAD 0.003%). Disruption of this splice site has been observed in individuals with paraganglioma (PGL) and/or pheochromocytoma (PCC) (PMID: 16405730, 19411806, 19825962, 20540712, 21348866, 25047027). It has also been observed to segregate with disease in related individuals. ClinVar contains an entry for this variant (Variation ID: 29896). Studies have shown that disruption of this splice site is associated with altered splicing resulting in multiple RNA products (internal data). This variant disrupts the p.Asp138 amino acid residue in SDHB. Other variant(s) that disrupt this residue have been determined to be pathogenic (PMID: 22517554, 31492822, 31666924). This suggests that this residue is clinically significant, and that variants that disrupt this residue are likely to be disease-causing. For these reasons, this variant has been classified as Pathogenic.

Dasa
Classification: Pathogenic. Last evaluated: 2024-12-23. Review status: criteria provided, single submitter. Criteria: DASA Assertion Criteria. Collection method: clinical testing. Allele origin: germline.
Comment: NM_003000.3(SDHB):c.423+1G>A introduces a premature termination codon predicted to result in loss of normal protein function. Loss-of-function is an established mechanism of disease for this gene. This variant results in the same amino acid change as a previously established pathogenic variant. This variant has been reported in individuals with related phenotype (PMID: 21348866). The variant is present at low frequency in population datasets. Based on the available data, this variant is classified as pathogenic.

All of Us Research Program, National Institutes of Health
Classification: Pathogenic for Hereditary pheochromocytoma and paraganglioma. Last evaluated: 2023-12-18. Review status: criteria provided, single submitter. Criteria: ACMG Guidelines, 2015. Collection method: clinical testing. Allele origin: germline. Inheritance: Autosomal dominant inheritance. Observed: 1 variant allele, 1 heterozygote.
Comment: This variant causes a G>A nucleotide substitution at the +1 position of intron 4 of the SDHB gene. Experimental RNA studies have shown that this variant causes an in-frame deletion of 54 nucleotides in exon 4 resulting in deletion of 18 amino acids in the 4Fe-4S ferredoxin-type domain (PMID: 19411806). This variant has been reported in at least ten individuals affected with hereditary paranganglioma-pheochromocytoma syndrome (PMID: 16405730, 19411806, 19825962, 20540712, 21348866, 21934479, 25047027, 26283294, 28503760, 30050099, 31492822). This variant has been identified in 3/251374 chromosomes in the general population by the Genome Aggregation Database (gnomAD). Loss of SDHB function is a known mechanism of disease. Based on the available evidence, this variant is classified as Pathogenic.

This study involves interpretation of variants in research participants for the purpose of population health screening. Participant phenotype was not available at the time of variant classification. Additional details can be found in publication PMID: 35346344, PMCID: PMC8962531

Baylor Genetics
Classification: Pathogenic for Gastrointestinal stromal tumor. Last evaluated: 2023-11-26. Review status: criteria provided, single submitter. Criteria: ACMG Guidelines, 2015. Collection method: clinical testing. Allele origin: unknown.

Mayo Clinic Laboratories, Mayo Clinic
Classification: Pathogenic. Last evaluated: 2023-08-08. Review status: criteria provided, single submitter. Criteria: ACMG Guidelines, 2015. Collection method: clinical testing. Allele origin: germline. Observed: 1 variant allele.
Comment: PP1_strong, PP4, PM2_moderate, PM6, PS4_moderate, PVS1_strong

GeneDx
Classification: Pathogenic. Last evaluated: 2023-08-07. Review status: criteria provided, single submitter. Criteria: GeneDx Variant Classification Process June 2021. Collection method: clinical testing. Allele origin: germline. Affected: yes.
Comment: Canonical splice site variant predicted to result in an in-frame loss of the adjacent exon in a gene for which loss of function is a known mechanism of disease; Not observed at significant frequency in large population cohorts (gnomAD); This variant is associated with the following publications: (PMID: 22948026, 21934479, 26283294, 19454582, 30658386, 19215943, 20540712, 19825962, 25494863, 23666964, 24886695, 25047027, 19411806, 21348866, 16317055, 14715873, 19258401, 25371406, 26269449, 14595761, 22009375, 27910947, 25025441, 26259135, 28503760, 28374168, 28490599, 29951630, 30549360, 30050099, 30273935, 29794110, 28748451, 16405730, 29625052, 30787465, 27737332, 34308104, 34436013, 34703596, 31492822, 32741965)

Ambry Genetics
Classification: Pathogenic for Hereditary cancer-predisposing syndrome. Last evaluated: 2023-03-28. Review status: criteria provided, single submitter. Criteria: Ambry Variant Classification Scheme 2023. Collection method: clinical testing. Allele origin: germline.
Comment: The c.423+1G>A intronic pathogenic mutation results from a G to A substitution one nucleotide after coding exon 4 of the SDHB gene. This mutation is a known Dutch founder mutation, and it has been reported in numerous Dutch families with hereditary paraganglioma-pheochromocytoma (PGL-PCC) syndrome (Hensen EF et al. Clin Genet, 2012 Mar;81:284-8; Rijken JA et al. Clin Genet, 2018 Jan;93:60-66). In addition, this mutation has been reported in other individuals with PGL-PCC in the literature (Erlic Z et al. Clin Cancer Res, 2009 Oct;15:6378-85; Gill AJ et al. Am. J. Surg. Pathol., 2011 Oct;35:1578-85). In silico splice site analysis predicts that this alteration will weaken the native splice donor site. RNA studies have demonstrated that this alteration abolishes the native donor site and activates a cryptic donor site in the adjacent exon (Bayley JP et al. BMC Med Genet, 2006 Jan;7:1; Ercolino T et al. J. Endocrinol. Invest., 2009 Feb;32:111-4; Ambry internal data). Based on the supporting evidence, this alteration is interpreted as a disease-causing mutation.

Myriad Genetics, Inc.
Classification: Pathogenic for Pheochromocytoma/paraganglioma syndrome 4. Last evaluated: 2023-03-13. Review status: criteria provided, single submitter. Criteria: Myriad Autosomal Dominant, Autosomal Recessive and X-Linked Classification Criteria (2023). Collection method: clinical testing. Allele origin: unknown.
Comment: This variant is considered pathogenic. This variant occurs within a consensus splice junction and is predicted to result in abnormal mRNA splicing of either an out-of-frame exon or an in-frame exon necessary for protein stability and/or normal function. This variant has been reported in multiple individuals with clinical features of gene-specific disease [PMID: 30050099, 28070496, 27011036, 26259135].

Department of Pathology and Laboratory Medicine, Sinai Health System
Classification: Pathogenic for hereditary pheochromocytoma-paraganglioma. Last evaluated: 2021-08-18. Review status: criteria provided, single submitter. Criteria: ACMG Guidelines, 2015. Collection method: clinical testing. Allele origin: germline. Affected: yes.

NM_003000.3(SDHB):c.423+1G>A

Gene: SDHB (succinate dehydrogenase complex iron sulfur subunit B; minus strand). Cytogenetic location: 1p36.13.
Variant type: single nucleotide variant.
Coding change: c.423+1G>A on transcript NM_003000.3 (MANE Select); the canonical splice donor site of the intron after coding-DNA position 423, G replaced by A.
Molecular consequence: splice donor variant. On other transcripts: intron variant (1).
Genome position (GRCh38, 1-based): chr1:17,028,599, C>T on the plus strand (G>A on the coding strand, the complement: SDHB is on the minus strand). VCF-style: chr1-17028599-C-T. GRCh37 (hg19) VCF-style: chr1-17355094-C-T.
Other names: IVS4DS, G-A, +1; c.369+55G>A (NM_001407361.1).
Identifiers: ClinVar variation 29896 (VCV000029896.38), dbSNP rs398122805, ClinGen allele CA015862.